The following is an entry in ClinVar:

NM_000209.4(PDX1):c.754G>A (p.Ala252Thr)

Gene: PDX1 (pancreatic and duodenal homeobox 1; plus strand). Cytogenetic location: 13q12.2.
Variant type: single nucleotide variant.
Coding change: c.754G>A on transcript NM_000209.4 (MANE Select); coding-DNA position 754, G replaced by A.
Protein change: p.Ala252Thr; replaces alanine 252 with threonine.
Molecular consequence: missense variant.
Genome position (GRCh38, 1-based): chr13:27,924,603, G>A. VCF-style: chr13-27924603-G-A. GRCh37 (hg19) VCF-style: chr13-28498740-G-A.
Other names: short protein forms A252T.
Identifiers: ClinVar variation 3633338 (VCV003633338.2).

ClinVar aggregate classification (germline): Uncertain significance (1 of 4 stars; one submission).

gnomAD v4.1: 1 of 1,462,234 alleles (0.000068%); highest among the groups gnomAD compares: Admixed American, 0.0025%; no homozygotes.

Submission:

Labcorp Genetics (formerly Invitae), Labcorp
Classification: Uncertain significance. Last evaluated: 2024-11-01. Review status: criteria provided, single submitter. Criteria: Invitae Variant Classification Sherloc (09022015). Collection method: clinical testing. Allele origin: germline.
Comment: This sequence change replaces alanine, which is neutral and non-polar, with threonine, which is neutral and polar, at codon 252 of the PDX1 protein (p.Ala252Thr). This variant is not present in population databases (gnomAD no frequency). This variant has not been reported in the literature in individuals affected with PDX1-related conditions. Invitae Evidence Modeling of protein sequence and biophysical properties (such as structural, functional, and spatial information, amino acid conservation, physicochemical variation, residue mobility, and thermodynamic stability) indicates that this missense variant is not expected to disrupt PDX1 protein function with a negative predictive value of 95%. In summary, the available evidence is currently insufficient to determine the role of this variant in disease. Therefore, it has been classified as a Variant of Uncertain Significance.